The following is an entry in ClinVar:

NM_001382273.1(TNK2):c.1521C>G (p.Pro507=)

Gene: TNK2 (tyrosine kinase non receptor 2; minus strand). Cytogenetic location: 3q29.
Variant type: single nucleotide variant.
Coding change: c.1521C>G on transcript NM_001382273.1 (MANE Select); coding-DNA position 1521, C replaced by G.
Protein change: p.Pro507=; no amino-acid change (proline 507 retained).
Molecular consequence: synonymous variant. On other transcripts: non-coding transcript variant (15).
Genome position (GRCh38, 1-based): chr3:195,870,136, G>C on the plus strand (C>G on the coding strand, the complement: TNK2 is on the minus strand). VCF-style: chr3-195870136-G-C. GRCh37 (hg19) VCF-style: chr3-195597007-G-C.
Other names: c.1521C>G, p.Pro507= (NM_001387721.1, NM_005781.5, NM_001382274.1 and 12 more transcripts); c.1593C>G, p.Pro531= (NM_001010938.2, NM_001382272.1, NM_001387708.1 and 1 more transcripts); c.1617C>G, p.Pro539= (NM_001308046.2, NM_001382271.1, NM_001382275.1 and 1 more transcripts).
Identifiers: ClinVar variation 2654504 (VCV002654504.24), dbSNP rs766598817, ClinGen allele CA2776316.

ClinVar aggregate classification (germline): Likely benign (1 of 4 stars; one submission).

Allele frequency attached by ClinVar (database versions not stated): 1000 Genomes Project 30x 0.00016.
gnomAD v4.1: 86 of 1,473,214 alleles (0.0058%); highest among the groups gnomAD compares: East Asian, 0.14%; no homozygotes.

Submission:

CeGaT Center for Human Genetics Tuebingen
Classification: Likely benign. Last evaluated: 2023-02-01. Review status: criteria provided, single submitter. Criteria: CeGaT Center For Human Genetics Tuebingen Variant Classification Criteria Version 2. Collection method: clinical testing. Allele origin: germline. Affected: yes. Observed: 1 variant allele.
Comment: TNK2: BP4, BP7